The following is an entry in ClinVar:

NM_000263.4(NAGLU):c.512dup (p.Glu172fs)

Gene: NAGLU (N-acetyl-alpha-glucosaminidase; plus strand). Cytogenetic location: 17q21.2.
Variant type: Duplication.
Coding change: c.512dup on transcript NM_000263.4 (MANE Select); coding-DNA position 512, one base duplicated (A; older notation c.512dupA).
Protein change: p.Glu172fs; shifts the reading frame from glutamic acid 172.
Molecular consequence: frameshift variant.
Genome position (GRCh38, 1-based): chr17:42,537,526, A duplicated. VCF-style (leftmost placement, unchanged base first): chr17-42537525-C-CA. GRCh37 (hg19) VCF-style: chr17-40689543-C-CA.
Other names: short protein forms E172fs.
Identifiers: ClinVar variation 3759448 (VCV003759448.2).

ClinVar aggregate classification (germline): Pathogenic (1 of 4 stars; one submission).

Conditions:
Charcot-Marie-Tooth disease axonal type 2V. Also called: CHARCOT-MARIE-TOOTH NEUROPATHY, TYPE 2V; CHARCOT-MARIE-TOOTH DISEASE, AXONAL, AUTOSOMAL DOMINANT, TYPE 2V. Identifiers: Orphanet 447964, MedGen C5569050, MONDO:0014665, OMIM 616491.
Mucopolysaccharidosis, MPS-III-B (MPS3B). Also called: N-ACETYL-ALPHA-D-GLUCOSAMINIDASE DEFICIENCY; NAGLU DEFICIENCY; SANFILIPPO SYNDROME B; MPS III B; Mucopolysaccharidosis type IIIB (Sanfilippo B); MUCOPOLYSACCHARIDOSIS, TYPE IIIB. Identifiers: Orphanet 79270, MedGen C0086648, MONDO:0009656, OMIM 252920.

Submission:

Labcorp Genetics (formerly Invitae), Labcorp
Classification: Pathogenic for Charcot-Marie-Tooth disease axonal type 2V; Mucopolysaccharidosis, MPS-III-B. Last evaluated: 2025-07-28. Review status: criteria provided, single submitter. Criteria: Invitae Variant Classification Sherloc (09022015). Collection method: clinical testing. Allele origin: germline.
Comment: This sequence change creates a premature translational stop signal (p.Glu172Glyfs*20) in the NAGLU gene. It is expected to result in an absent or disrupted protein product. Loss-of-function variants in NAGLU are known to be pathogenic (PMID: 9832037, 10094189, 16151907). This variant is not present in population databases (gnomAD no frequency). This variant has not been reported in the literature in individuals affected with NAGLU-related conditions. ClinVar contains an entry for this variant (Variation ID: 3759448). For these reasons, this variant has been classified as Pathogenic.

Literature cited by the submitters: PubMed 9832037; PubMed 10094189; PubMed 16151907.